The following is an entry in ClinVar:

ClinVar aggregate classification (germline): Uncertain significance (1 of 4 stars; one submission).

Conditions:
Cystinuria (CSNU). Also called: CYSTINURIA, TYPE I; CYSTINURIA, TYPE II; CYSTINURIA, TYPE III; Cystinuria, non-type I. Identifiers: Orphanet 214, MedGen C0010691, MONDO:0009067, OMIM 220100, HP:0003131.

Allele frequency attached by ClinVar (database versions not stated): gnomAD exomes below 0.00001; ExAC 0.00001.
gnomAD v4.1: 6 of 1,607,562 alleles (0.00037%); highest among the groups gnomAD compares: African/African-American, 0.0067%; no homozygotes.

Submission:

Labcorp Genetics (formerly Invitae), Labcorp
Classification: Uncertain significance for Cystinuria. Last evaluated: 2022-06-21. Review status: criteria provided, single submitter. Criteria: Invitae Variant Classification Sherloc (09022015). Collection method: clinical testing. Allele origin: germline.
Comment: In summary, the available evidence is currently insufficient to determine the role of this variant in disease. Therefore, it has been classified as a Variant of Uncertain Significance. Algorithms developed to predict the effect of missense changes on protein structure and function (SIFT, PolyPhen-2, Align-GVGD) all suggest that this variant is likely to be tolerated. This variant has not been reported in the literature in individuals affected with SLC3A1-related conditions. This variant is present in population databases (rs778027083, gnomAD 0.007%). This sequence change replaces glutamine, which is neutral and polar, with histidine, which is basic and polar, at codon 146 of the SLC3A1 protein (p.Gln146His).

NM_000341.4(SLC3A1):c.438A>T (p.Gln146His)

Gene: SLC3A1 (solute carrier family 3 member 1; plus strand). Cytogenetic location: 2p21.
Variant type: single nucleotide variant.
Coding change: c.438A>T on transcript NM_000341.4 (MANE Select); coding-DNA position 438, A replaced by T.
Protein change: p.Gln146His; replaces glutamine 146 with histidine.
Molecular consequence: missense variant.
Genome position (GRCh38, 1-based): chr2:44,280,723, A>T. VCF-style: chr2-44280723-A-T. GRCh37 (hg19) VCF-style: chr2-44507862-A-T.
Other names: short protein forms Q146H.
Identifiers: ClinVar variation 1983970 (VCV001983970.4), dbSNP rs778027083, ClinGen allele CA1640131.